The following is an entry in ClinVar:

ClinVar aggregate classification (germline): Uncertain significance. Review status: criteria provided, multiple submitters, no conflicts (2 of 4 stars). 2 submissions from 2 submitters: Uncertain significance (2). Last evaluated 2025-03-13.

Conditions:
Rhabdoid tumor predisposition syndrome 2 (RTPS2). Identifiers: Orphanet 231108, Orphanet 69077, MedGen C2750074, MONDO:0013224, OMIM 613325.
Hereditary cancer-predisposing syndrome. Also called: Neoplastic Syndromes, Hereditary; Tumor predisposition; Hereditary neoplastic syndrome; Hereditary Cancer Syndrome. Identifiers: Orphanet 140162, MedGen C0027672, MeSH D009386, MONDO:0015356.

gnomAD v4.1: 1 of 1,614,134 alleles (0.000062%); highest among the groups gnomAD compares: South Asian, 0.0011%; no homozygotes.

Submissions (2):

Labcorp Genetics (formerly Invitae), Labcorp
Classification: Uncertain significance for Rhabdoid tumor predisposition syndrome 2. Last evaluated: 2025-03-13. Review status: criteria provided, single submitter. Criteria: Invitae Variant Classification Sherloc (09022015). Collection method: clinical testing. Allele origin: germline.
Comment: This sequence change replaces glutamine, which is neutral and polar, with histidine, which is basic and polar, at codon 1566 of the SMARCA4 protein (p.Gln1566His). This variant is present in population databases (rs757889804, gnomAD 0.003%). This variant has not been reported in the literature in individuals affected with SMARCA4-related conditions. ClinVar contains an entry for this variant (Variation ID: 825106). An algorithm developed to predict the effect of missense changes on protein structure and function (PolyPhen-2) suggests that this variant is likely to be tolerated. In summary, the available evidence is currently insufficient to determine the role of this variant in disease. Therefore, it has been classified as a Variant of Uncertain Significance.

Ambry Genetics
Classification: Uncertain significance for Hereditary cancer-predisposing syndrome. Last evaluated: 2019-03-21. Review status: criteria provided, single submitter. Criteria: Ambry Variant Classification Scheme 2023. Collection method: clinical testing. Allele origin: germline.
Comment: The p.Q1566H variant (also known as c.4698G>C), located in coding exon 32 of the SMARCA4 gene, results from a G to C substitution at nucleotide position 4698. The glutamine at codon 1566 is replaced by histidine, an amino acid with highly similar properties. This amino acid position is well conserved in available vertebrate species. In addition, this alteration is predicted to be tolerated by in silico analysis. Since supporting evidence is limited at this time, the clinical significance of this alteration remains unclear.

NM_003072.5(SMARCA4):c.4602G>C (p.Gln1534His)

Gene: SMARCA4 (SWI/SNF related BAF chromatin remodeling complex subunit ATPase 4; plus strand). Cytogenetic location: 19p13.2.
Variant type: single nucleotide variant.
Coding change: c.4602G>C on transcript NM_003072.5 (MANE Select); coding-DNA position 4602, G replaced by C.
Protein change: p.Gln1534His; replaces glutamine 1534 with histidine.
Molecular consequence: missense variant. On other transcripts: non-coding transcript variant (1).
Genome position (GRCh38, 1-based): chr19:11,058,856, G>C. VCF-style: chr19-11058856-G-C. GRCh37 (hg19) VCF-style: chr19-11169532-G-C.
Other names: c.4602G>C, p.Gln1534His (NM_001128844.3); c.4512G>C, p.Gln1504His (NM_001128845.2); c.4509G>C, p.Gln1503His (NM_001128846.2); c.4503G>C, p.Gln1501His (NM_001128847.4, NM_001374457.1); c.4500G>C, p.Gln1500His (NM_001128848.2); c.4698G>C, p.Gln1566His (NM_001128849.3); short protein forms Q1501H, Q1503H, Q1500H, Q1534H, Q1504H, Q1566H.
Identifiers: ClinVar variation 825106 (VCV000825106.12), dbSNP rs757889804, ClinGen allele CA9204805.